The following is an entry in ClinVar:

NC_012920.1(MT-ATP8):m.8469T>C

Gene: MT-ATP8 (mitochondrially encoded ATP synthase 8; plus strand).
Variant type: single nucleotide variant.
Genome position: chrM-8469-T-C.
Identifiers: ClinVar variation 692867 (VCV000692867.1), dbSNP rs1603221503, ClinGen allele CA414796235.
Genomic context (GRCh38, chrMT:8,469, plus strand): 5'-CCATACTCCTTACACTATTCCTCATCACCCAACTAAAAATATTAAACACAAACTACCACC[T>C]ACCTCCCTCACCAAAGCCCATAAAAATAAAAAATTATAACAAACCCTGAGAACCAAAATG-3'

ClinVar aggregate classification (germline): Uncertain significance (1 of 4 stars; one submission).

Conditions:
Leigh syndrome (NULS). Also called: Leigh's necrotizing encephalopathy; Leigh's disease; Leigh Syndrome (mtDNA deletion); Leigh Disease; Subacute necrotizing encephalopathy; Necrotizing encephalopathy infantile subacute of Leigh. Identifiers: Orphanet 506, MedGen C2931891, MONDO:0009723, OMIM 256000.

Submission:

Wong Mito Lab, Molecular and Human Genetics, Baylor College of Medicine
Classification: Uncertain significance for Leigh syndrome. Last evaluated: 2019-10-17. Review status: criteria provided, single submitter. Criteria: Modified ACMG Guidelines (Unpublished). Collection method: clinical testing. Allele origin: germline.
Comment: The NC_012920.1:m.8469T>C (YP_003024030.1:p.Leu35Pro) variant in MTATP8 gene is interpretated to be a Uncertain Significance variant based on the modified ACMG guidelines (unpublished). This variant meets the following evidence codes: no criteria